The following is an entry in ClinVar:

NM_002637.4(PHKA1):c.2806C>T (p.Arg936Ter)

Gene: PHKA1 (phosphorylase kinase regulatory subunit alpha 1; minus strand). Cytogenetic location: Xq13.1.
Variant type: single nucleotide variant.
Coding change: c.2806C>T on transcript NM_002637.4 (MANE Select); coding-DNA position 2806, C replaced by T.
Protein change: p.Arg936Ter; replaces arginine 936 with a stop codon.
Molecular consequence: nonsense.
Genome position (GRCh38, 1-based): chrX:72,605,280, G>A on the plus strand (C>T on the coding strand, the complement: PHKA1 is on the minus strand). VCF-style: chrX-72605280-G-A. GRCh37 (hg19) VCF-style: chrX-71825130-G-A.
Other names: c.2806C>T, p.Arg936Ter (NM_001122670.2); c.2629C>T, p.Arg877Ter (NM_001172436.2); short protein forms R877*, R936*.
Identifiers: ClinVar variation 1174621 (VCV001174621.6), dbSNP rs2052711601, ClinGen allele CA413588672.
Genomic context (GRCh38, chrX:72,605,280, plus strand): 5'-AAACTTACATCAAAAGTGAATTCCACCTAAAATAGTTACTGAATTAAGTACCTGAGCATC[G>A]AAGGGAGTGGGCCAGTTCTGTTGCCATAACTTGTATGATCAGACCAATTCGAAGTCGAAA-3'

ClinVar aggregate classification (germline): Likely pathogenic. Review status: criteria provided, single submitter (1 of 4 stars). 3 submissions from 3 submitters: Likely pathogenic (1). 2 of the submissions do not count toward it.

Conditions:
Glycogen storage disease IXd (GSD9D). Also called: GSD IXd; Muscle Phosphorylase Kinase Deficiency. Identifiers: Orphanet 715, MedGen C1845151, MONDO:0010362, OMIM 300559.

Allele frequency attached by ClinVar (database versions not stated): gnomAD exomes below 0.00001; TOPMed below 0.00001; gnomAD 0.00001.
gnomAD v4.1: 5 of 1,201,586 alleles (0.00042%); highest among the groups gnomAD compares: South Asian, 0.0035%; no homozygotes.

Submissions (3):

ARUP Laboratories, Molecular Genetics and Genomics, ARUP Laboratories
Classification: Likely pathogenic for Glycogen storage disease IXd. Review status: criteria provided, single submitter. Criteria: ARUP Molecular Germline Variant Investigation Process 2024. Collection method: clinical testing. Allele origin: germline.
Comment: The PHKA1 c.2806C>T; p.Arg936Ter variant (rs2052711601), to our knowledge, is not reported in the medical literature but is reported in ClinVar (Variation ID: 198094). This variant is absent from the Genome Aggregation Database (v2.1.1), indicating it is not a common polymorphism. This variant induces an early termination codon and is predicted to result in a truncated protein or mRNA subject to nonsense-mediated decay. Based on available information, this variant is considered to be likely pathogenic.

Diagnostic Laboratory, Department of Genetics, University Medical Center Groningen
Classification: Pathogenic. Review status: no assertion criteria provided. Collection method: clinical testing. Allele origin: germline. Affected: yes. Study: VKGL Data-share Consensus. Not counted in ClinVar's aggregate classification.

Joint Genome Diagnostic Labs from Nijmegen and Maastricht, Radboudumc and MUMC+
Classification: Pathogenic. Review status: no assertion criteria provided. Collection method: clinical testing. Allele origin: germline. Affected: yes. Study: VKGL Data-share Consensus. Not counted in ClinVar's aggregate classification.